The following is an entry in ClinVar:

ClinVar aggregate classification (germline): Uncertain significance. Review status: criteria provided, multiple submitters, no conflicts (2 of 4 stars). 2 submissions from 2 submitters: Uncertain significance (2). Last evaluated 2023-12-08.

Conditions:
Hereditary cancer-predisposing syndrome. Also called: Neoplastic Syndromes, Hereditary; Hereditary Cancer Syndrome; Hereditary neoplastic syndrome; Tumor predisposition. Identifiers: Orphanet 140162, MedGen C0027672, MeSH D009386, MONDO:0015356.
Neuroblastoma, susceptibility to, 3. Also called: ALK-Related Neuroblastic Tumor Susceptibility. Identifiers: Orphanet 635, MedGen C2751681, MONDO:0013083, OMIM 613014.

Allele frequency attached by ClinVar (database versions not stated): gnomAD exomes below 0.00001.
gnomAD v4.1: 2 of 1,613,564 alleles (0.00012%); highest among the groups gnomAD compares: Non-Finnish European, 0.00017%; no homozygotes.

Submissions (2):

Ambry Genetics
Classification: Uncertain significance for Hereditary cancer-predisposing syndrome. Last evaluated: 2023-12-08. Review status: criteria provided, single submitter. Criteria: Ambry Variant Classification Scheme 2023. Collection method: clinical testing. Allele origin: germline.
Comment: The p.P1355L variant (also known as c.4064C>T), located in coding exon 27 of the ALK gene, results from a C to T substitution at nucleotide position 4064. The proline at codon 1355 is replaced by leucine, an amino acid with similar properties. This amino acid position is highly conserved in available vertebrate species. In addition, the in silico prediction for this alteration is inconclusive. Since supporting evidence is limited at this time, the clinical significance of this alteration remains unclear.

Labcorp Genetics (formerly Invitae), Labcorp
Classification: Uncertain significance for Neuroblastoma, susceptibility to, 3. Last evaluated: 2022-11-08. Review status: criteria provided, single submitter. Criteria: Invitae Variant Classification Sherloc (09022015). Collection method: clinical testing. Allele origin: germline.
Comment: Algorithms developed to predict the effect of missense changes on protein structure and function are either unavailable or do not agree on the potential impact of this missense change (SIFT: "Deleterious"; PolyPhen-2: "Probably Damaging"; Align-GVGD: "Class C0"). In summary, the available evidence is currently insufficient to determine the role of this variant in disease. Therefore, it has been classified as a Variant of Uncertain Significance. ClinVar contains an entry for this variant (Variation ID: 824559). This variant has not been reported in the literature in individuals affected with ALK-related conditions. This variant is not present in population databases (gnomAD no frequency). This sequence change replaces proline, which is neutral and non-polar, with leucine, which is neutral and non-polar, at codon 1355 of the ALK protein (p.Pro1355Leu).

NM_004304.5(ALK):c.4064C>T (p.Pro1355Leu)

Gene: ALK (ALK receptor tyrosine kinase; minus strand). Cytogenetic location: 2p23.2.
Variant type: single nucleotide variant.
Coding change: c.4064C>T on transcript NM_004304.5 (MANE Select); coding-DNA position 4064, C replaced by T.
Protein change: p.Pro1355Leu; replaces proline 1355 with leucine.
Molecular consequence: missense variant.
Genome position (GRCh38, 1-based): chr2:29,197,551, G>A on the plus strand (C>T on the coding strand, the complement: ALK is on the minus strand). VCF-style: chr2-29197551-G-A. GRCh37 (hg19) VCF-style: chr2-29420417-G-A.
Other names: c.860C>T, p.Pro287Leu (NM_001353765.2); short protein forms P1355L, P287L.
Identifiers: ClinVar variation 824559 (VCV000824559.7), dbSNP rs1573084525, ClinGen allele CA346465805.
Genomic context (GRCh38, chr2:29,197,551, plus strand): 5'-AAAAGAAAAACTGCTTAGTAACTAGCAGAAGTGTTCCTAAAAGAGTCATACACAGGCCCA[G>A]GGCAGTTCTTGGGTGGGTCCATCCGGCCTCCACTGGTGACAAACTCCAGAACTTCCTGGT-3'
Protein context (NP_004295.2, residues 1345-1365): GGRMDPPKNC[Pro1355Leu]GPVYRIMTQC